The following is an entry in ClinVar:

ClinVar aggregate classification (germline): Likely pathogenic (1 of 4 stars; one submission).

Conditions:
Dilated cardiomyopathy 1G (CMD1G). Identifiers: Orphanet 154, MedGen C1858763, MONDO:0011400, OMIM 604145.
Autosomal recessive limb-girdle muscular dystrophy type 2J (LGMDR10). Also called: Limb-girdle muscular dystrophy, type 2J; MUSCULAR DYSTROPHY, LIMB-GIRDLE, AUTOSOMAL RECESSIVE 10. Identifiers: Orphanet 140922, MedGen C1837342, MONDO:0012127, OMIM 608807.

Submission:

Labcorp Genetics (formerly Invitae), Labcorp
Classification: Likely pathogenic for Dilated cardiomyopathy 1G; Autosomal recessive limb-girdle muscular dystrophy type 2J. Last evaluated: 2025-02-15. Review status: criteria provided, single submitter. Criteria: Invitae Variant Classification Sherloc (09022015). Collection method: clinical testing. Allele origin: germline.
Comment: This sequence change creates a premature translational stop signal (p.Phe28325Glyfs*22) in the TTN gene. While this is not anticipated to result in nonsense mediated decay, it is expected to create a truncated TTN protein. This variant is not present in population databases (gnomAD no frequency). This premature translational stop signal has been observed in individual(s) with autosomal dominant TTN-related conditions (internal data). This variant is located in the A band of TTN (PMID: 25589632). Truncating variants in this region are significantly overrepresented in patients affected with dilated cardiomyopathy (PMID: 25589632). Truncating variants in this region have also been reported in individuals affected with autosomal recessive centronuclear myopathy (PMID: 23975875). In summary, the currently available evidence indicates that the variant is pathogenic, but additional data are needed to prove that conclusively. Therefore, this variant has been classified as Likely Pathogenic.

Literature cited by the submitters: PubMed 25589632; PubMed 23975875.

NM_001267550.2(TTN):c.84973_84976del (p.Phe28325fs)

Genes: TTN-AS1 (TTN antisense RNA 1; plus strand), TTN (titin; minus strand). Cytogenetic location: 2q31.2.
Variant type: Deletion.
Coding change: c.84973_84976del on transcript NM_001267550.2 (MANE Select); coding-DNA positions 84973 to 84976, 4 bases deleted (TTCC; older notation c.84973_84976delTTCC).
Protein change: p.Phe28325fs; shifts the reading frame from phenylalanine 28325.
Molecular consequence: frameshift variant.
Genome position (GRCh38, 1-based): chr2:178,561,156-178,561,159, GGAA deleted on the plus strand (TTCC on the coding strand, the reverse complement: TTN is on the minus strand). VCF-style (leftmost placement, unchanged base first): chr2-178561155-CGGAA-C. GRCh37 (hg19) VCF-style: chr2-179425882-CGGAA-C.
Other names: c.80050_80053del, p.Phe26684fs (NM_001256850.1); c.57778_57781del, p.Phe19260fs (NM_003319.4); c.77269_77272del, p.Phe25757fs (NM_133378.4); c.58153_58156del, p.Phe19385fs (NM_133432.3); c.58354_58357del, p.Phe19452fs (NM_133437.4); short protein forms F19385fs, F26684fs, F19260fs, F19452fs, F25757fs, F28325fs.
Identifiers: ClinVar variation 4784176 (VCV004784176.1).